The following is an entry in ClinVar:

NM_000059.4(BRCA2):c.9672del (p.Tyr3225fs)

Gene: BRCA2 (BRCA2 DNA repair associated; plus strand). Cytogenetic location: 13q13.1.
Variant type: Deletion.
Coding change: c.9672del on transcript NM_000059.4 (MANE Select); coding-DNA position 9672, one base deleted (A; older notation c.9672delA).
Protein change: p.Tyr3225fs; shifts the reading frame from tyrosine 3225.
Molecular consequence: frameshift variant.
Genome position (GRCh38, 1-based): chr13:32,398,185, A deleted. VCF-style (leftmost placement, unchanged base first): chr13-32398184-TA-T. GRCh37 (hg19) VCF-style: chr13-32972321-TA-T.
Other names: c.9672delA (NM_000059.3); short protein forms Y3225fs.
Identifiers: ClinVar variation 655404 (VCV000655404.14), dbSNP rs1593201647, ClinGen allele CA915948629.

ClinVar aggregate classification (germline): Pathogenic/Likely pathogenic. Review status: criteria provided, multiple submitters, no conflicts (2 of 4 stars). 2 submissions from 2 submitters: Pathogenic (1); Likely pathogenic (1). Last evaluated 2025-06-22.

Conditions:
Hereditary cancer-predisposing syndrome. Also called: Hereditary neoplastic syndrome; Tumor predisposition; Neoplastic Syndromes, Hereditary; Hereditary Cancer Syndrome. Identifiers: Orphanet 140162, MedGen C0027672, MeSH D009386, MONDO:0015356.
Hereditary breast ovarian cancer syndrome. Also called: Hereditary breast and ovarian cancer; Hereditary breast and/or ovarian cancer syndrome; Breast and ovarian cancer; BRCA1- and BRCA2-Associated Hereditary Breast and Ovarian Cancer; Hereditary breast and ovarian cancer syndrome; Hereditary breast and ovarian cancer syndrome (HBOC). Identifiers: Orphanet 145, MedGen C0677776, MeSH D061325, MONDO:0003582. Disease mechanism: loss of function.

Submissions (2):

Labcorp Genetics (formerly Invitae), Labcorp
Classification: Pathogenic for Hereditary breast ovarian cancer syndrome. Last evaluated: 2025-06-22. Review status: criteria provided, single submitter. Criteria: Invitae Variant Classification Sherloc (09022015). Collection method: clinical testing. Allele origin: germline.
Comment: This sequence change creates a premature translational stop signal (p.Tyr3225Ilefs*24) in the BRCA2 gene. While this is not anticipated to result in nonsense mediated decay, it is expected to disrupt the last 194 amino acid(s) of the BRCA2 protein. This variant is not present in population databases (gnomAD no frequency). This variant has not been reported in the literature in individuals affected with BRCA2-related conditions. ClinVar contains an entry for this variant (Variation ID: 655404). Experimental studies and prediction algorithms are not available or were not evaluated, and the functional significance of this variant is currently unknown. This variant disrupts a region of the BRCA2 protein in which other variant(s) (p.Tyr3308*) have been determined to be pathogenic (PMID: 17026620, 18593900, 18607349, 22711857). This suggests that this is a clinically significant region of the protein, and that variants that disrupt it are likely to be disease-causing. For these reasons, this variant has been classified as Pathogenic.

Color Diagnostics, LLC DBA Color Health
Classification: Likely pathogenic for Hereditary cancer-predisposing syndrome. Last evaluated: 2019-08-06. Review status: criteria provided, single submitter. Criteria: ACMG Guidelines, 2015. Collection method: clinical testing. Allele origin: germline.
Comment: This variant deletes 1 nucleotide in exon 27 of the BRCA2 gene, creating a frameshift and premature translation stop signal in the last coding exon. This mutant transcript is predicted to escape nonsense-mediated decay and be expressed as a truncated protein. Although the functional studies have not been performed, this variant is expected to disrupt the RAD51 binding domain. This domain has been reported to be essential for homologous recombination and DNA repair (PMID: 17515903). In addition, truncating variants occurring downstream of this variant are known to be disease-causing (ClinVar variation ID: 52916, 126217, 267176). To our knowledge, this variant has not been reported in individuals affected with hereditary cancer in the literature. This variant has not been identified in the general population by the Genome Aggregation Database (gnomAD). Based on available evidence, this variant is classified as Likely Pathogenic.

Literature cited by the submitters: PubMed 17026620 (cited by Labcorp Genetics (formerly Invitae), Labcorp); PubMed 18593900 (cited by Labcorp Genetics (formerly Invitae), Labcorp); PubMed 18607349 (cited by Labcorp Genetics (formerly Invitae), Labcorp); PubMed 22711857 (cited by Labcorp Genetics (formerly Invitae), Labcorp).